The following is an entry in ClinVar:

ClinVar aggregate classification (germline): Conflicting classifications of pathogenicity. Review status: criteria provided, conflicting classifications (1 of 4 stars). 2 submissions from 2 submitters: Uncertain significance (1); Likely benign (1). Last evaluated 2025-08-31.

Conditions:
Hereditary cancer-predisposing syndrome. Also called: Tumor predisposition; Neoplastic Syndromes, Hereditary; Hereditary Cancer Syndrome; Hereditary neoplastic syndrome. Identifiers: Orphanet 140162, MedGen C0027672, MeSH D009386, MONDO:0015356.
Neuroblastoma, susceptibility to, 3. Also called: ALK-Related Neuroblastic Tumor Susceptibility. Identifiers: Orphanet 635, MedGen C2751681, MONDO:0013083, OMIM 613014.

Allele frequency attached by ClinVar (database versions not stated): TOPMed below 0.00001; ExAC 0.00002.
gnomAD v4.1: 4 of 1,614,076 alleles (0.00025%); highest among the groups gnomAD compares: East Asian, 0.0089%; no homozygotes.

Submissions (2):

Labcorp Genetics (formerly Invitae), Labcorp
Classification: Uncertain significance for Neuroblastoma, susceptibility to, 3. Last evaluated: 2025-08-31. Review status: criteria provided, single submitter. Criteria: Invitae Variant Classification Sherloc (09022015). Collection method: clinical testing. Allele origin: germline.
Comment: This sequence change replaces isoleucine, which is neutral and non-polar, with valine, which is neutral and non-polar, at codon 762 of the ALK protein (p.Ile762Val). This variant is present in population databases (rs751419856, gnomAD 0.02%). This variant has not been reported in the literature in individuals affected with ALK-related conditions. ClinVar contains an entry for this variant (Variation ID: 404331). An algorithm developed to predict the effect of missense changes on protein structure and function outputs the following: PolyPhen-2: "Benign". The valine amino acid residue is found in multiple mammalian species, which suggests that this missense change does not adversely affect protein function. In summary, the available evidence is currently insufficient to determine the role of this variant in disease. Therefore, it has been classified as a Variant of Uncertain Significance.

Ambry Genetics
Classification: Likely benign for Hereditary cancer-predisposing syndrome. Last evaluated: 2022-07-31. Review status: criteria provided, single submitter. Criteria: Ambry Variant Classification Scheme 2023. Collection method: clinical testing. Allele origin: germline.

NM_004304.5(ALK):c.2284A>G (p.Ile762Val)

Gene: ALK (ALK receptor tyrosine kinase; minus strand). Cytogenetic location: 2p23.2.
Variant type: single nucleotide variant.
Coding change: c.2284A>G on transcript NM_004304.5 (MANE Select); coding-DNA position 2284, A replaced by G.
Protein change: p.Ile762Val; replaces isoleucine 762 with valine.
Molecular consequence: missense variant.
Genome position (GRCh38, 1-based): chr2:29,239,751, T>C on the plus strand (A>G on the coding strand, the complement: ALK is on the minus strand). VCF-style: chr2-29239751-T-C. GRCh37 (hg19) VCF-style: chr2-29462617-T-C.
Other names: short protein forms I762V.
Identifiers: ClinVar variation 404331 (VCV000404331.13), dbSNP rs751419856, ClinGen allele CA1594369.